The following is an entry in ClinVar:

ClinVar aggregate classification (germline): Uncertain significance (1 of 4 stars; one submission).

Submission:

Dasa
Classification: Uncertain significance. Last evaluated: 2024-03-01. Review status: criteria provided, single submitter. Criteria: DASA Assertion Criteria. Collection method: clinical testing. Allele origin: germline.
Comment: NM_001243925.2(MAPKAPK3):c.425-6C>T is a splice-region variant. This variant is rare in population databases. Computational prediction algorithms are consistent with a benign effect. The currently available literature and clinical evidence are not sufficient to establish a definitive association between this variant and the reported condition. Therefore, this variant is classified as a variant of uncertain significance.

NM_001243925.2(MAPKAPK3):c.425-6C>T

Gene: MAPKAPK3 (MAPK activated protein kinase 3; plus strand). Cytogenetic location: 3p21.2.
Variant type: single nucleotide variant.
Coding change: c.425-6C>T on transcript NM_001243925.2 (MANE Select); 6 bases into the intron before coding-DNA position 425, C replaced by T.
Molecular consequence: intron variant.
Genome position (GRCh38, 1-based): chr3:50,642,247, C>T. VCF-style: chr3-50642247-C-T. GRCh37 (hg19) VCF-style: chr3-50679678-C-T.
Other names: c.425-6C>T (NM_001243926.2, NM_004635.5).
Identifiers: ClinVar variation 4885439 (VCV004885439.2).